The following is an entry in ClinVar:

NM_000277.3(PAH):c.609C>T (p.Cys203=)

Gene: PAH (phenylalanine hydroxylase; minus strand). Cytogenetic location: 12q23.2.
Variant type: single nucleotide variant.
Coding change: c.609C>T on transcript NM_000277.3 (MANE Select); coding-DNA position 609, C replaced by T.
Protein change: p.Cys203=; no amino-acid change (cysteine 203 retained).
Molecular consequence: synonymous variant.
Genome position (GRCh38, 1-based): chr12:102,855,233, G>A on the plus strand (C>T on the coding strand, the complement: PAH is on the minus strand). VCF-style: chr12-102855233-G-A. GRCh37 (hg19) VCF-style: chr12-103249011-G-A.
Other names: c.609C>T, p.Cys203= (NM_001354304.2).
Identifiers: ClinVar variation 102756 (VCV000102756.40), dbSNP rs1801147, ClinGen allele CA229649.
Genomic context (GRCh38, chr12:102,855,233, plus strand): 5'-GTTATCTTCATGGAAGCCACAGTACTTTTCAAGAAGTGGAAAAATGTGATTGTACTCATA[G>A]CAAGCATGGGTTTTATACAAGGACTTCAGAGTCTTGAACACTGTGCCCCATGTTTTCTTT-3'
Protein context (NP_000268.1, residues 193-213): TLKSLYKTHA[Cys203=]YEYNHIFPLL

ClinVar aggregate classification (germline): Uncertain significance. Review status: reviewed by expert panel (3 of 4 stars). 8 submissions from 8 submitters: Uncertain significance (1). 7 of the submissions do not count toward it. Last evaluated 2020-10-23.

Conditions:
Inborn genetic diseases. Identifiers: MedGen C0950123, MeSH D030342.
Phenylketonuria (PKU). Also called: FOLLING DISEASE; Phenylketonurias; OLIGOPHRENIA PHENYLPYRUVICA; Phenylketonuria (PKU). Identifiers: Orphanet 716, MedGen C0031485, MONDO:0009861, OMIM 261600. Disease mechanism: loss of function.

Allele frequency attached by ClinVar (database versions not stated): ESP Exome Variant Server 0.00023; gnomAD 0.00036 and 0.00040; TOPMed 0.00038; 1000 Genomes Project 0.00040; gnomAD exomes 0.00040 and 0.00057; ExAC 0.00053; 1000 Genomes Project 30x 0.00062.
gnomAD v4.1: 672 of 1,613,954 alleles (0.042%); highest among the groups gnomAD compares: Middle Eastern, 0.082%; 1 homozygote.

Submissions (8):

ClinGen PAH Variant Curation Expert Panel
Classification: Uncertain significance for Phenylketonuria. Last evaluated: 2020-10-23. Review status: reviewed by expert panel. Criteria: ClinGen PAH ACMG Specifications v1. Collection method: curation. Allele origin: germline. Inheritance: Autosomal recessive inheritance.
Comment: The c.609C>T (p.Cys203=) variant in PAH has not been reported in a patient with PAH deficiency to our knowledge. This variant has a MAF that is too high (0.00473 in gnomAD). A deleterious effect is predicted using HSF, IIEs from Zhang et al, Fas-ESS hexamers, and NNSplice, but Splice AI predicts a benign effect (0). In summary, this variant meets criteria to be classified as uncertain significance for PAH. PAH-specific ACMG/AMP criteria applied: BS1.

Labcorp Genetics (formerly Invitae), Labcorp
Classification: Likely benign for Phenylketonuria. Last evaluated: 2026-01-31. Review status: criteria provided, single submitter. Criteria: Invitae Variant Classification Sherloc (09022015). Collection method: clinical testing. Allele origin: germline. Not counted in ClinVar's aggregate classification.

Blueprint Genetics
Classification: Likely benign. Last evaluated: 2024-11-11. Review status: criteria provided, single submitter. Criteria: ACMG Guidelines, 2015. Collection method: clinical testing. Allele origin: germline. Not counted in ClinVar's aggregate classification.

CeGaT Center for Human Genetics Tuebingen
Classification: Likely benign. Last evaluated: 2024-03-01. Review status: criteria provided, single submitter. Criteria: CeGaT Center For Human Genetics Tuebingen Variant Classification Criteria Version 2. Collection method: clinical testing. Allele origin: germline. Affected: yes. Observed: 1 variant allele. Not counted in ClinVar's aggregate classification.
Comment: PAH: BP4

Ambry Genetics
Classification: Likely benign for Inborn genetic diseases. Last evaluated: 2023-08-29. Review status: criteria provided, single submitter. Criteria: Ambry Variant Classification Scheme 2023. Collection method: clinical testing. Allele origin: germline. Not counted in ClinVar's aggregate classification.

Women's Health and Genetics/Laboratory Corporation of America, LabCorp
Classification: Likely benign. Last evaluated: 2020-01-31. Review status: criteria provided, single submitter. Criteria: LabCorp Variant Classification Summary - May 2015. Collection method: clinical testing. Allele origin: germline. Not counted in ClinVar's aggregate classification.

Illumina Laboratory Services, Illumina
Classification: Uncertain significance for Phenylketonuria. Last evaluated: 2017-04-27. Review status: criteria provided, single submitter. Criteria: ICSL Variant Classification Criteria 13 December 2019. Collection method: clinical testing. Allele origin: germline. Not counted in ClinVar's aggregate classification.

DeBelle Laboratory for Biochemical Genetics, MUHC/MCH RESEARCH INSTITUTE
No classification provided. Review status: no classification provided. Collection method: not provided. Allele origin: not provided. Not counted in ClinVar's aggregate classification.